The following is an entry in ClinVar:

ClinVar aggregate classification (germline): Uncertain significance. Review status: criteria provided, multiple submitters, no conflicts (2 of 4 stars). 4 submissions from 4 submitters: Uncertain significance (4). Last evaluated 2024-09-11.

Conditions:
Rienhoff syndrome. Also called: LOEYS-DIETZ SYNDROME 5. Identifiers: MedGen C3810012, MONDO:0014262, OMIM 615582.
Familial thoracic aortic aneurysm and aortic dissection (TAAD). Also called: Thoracic aortic aneurysms and dissections. Identifiers: Orphanet 91387, MedGen C4707243, MONDO:0019625.

Allele frequency attached by ClinVar (database versions not stated): gnomAD exomes below 0.00001; gnomAD 0.00001; 1000 Genomes Project 30x 0.00016; 1000 Genomes Project 0.00020.

Submissions (4):

Ambry Genetics
Classification: Uncertain significance for Familial thoracic aortic aneurysm and aortic dissection. Last evaluated: 2024-09-11. Review status: criteria provided, single submitter. Criteria: Ambry Variant Classification Scheme 2023. Collection method: clinical testing. Allele origin: germline.
Comment: The p.R261C variant (also known as c.781C>T), located in coding exon 5 of the TGFB3 gene, results from a C to T substitution at nucleotide position 781. The arginine at codon 261 is replaced by cysteine, an amino acid with highly dissimilar properties. This amino acid position is conserved. In addition, the in silico prediction for this alteration is inconclusive. Based on the available evidence, the clinical significance of this variant remains unclear.

Blueprint Genetics
Classification: Uncertain significance. Last evaluated: 2023-09-29. Review status: criteria provided, single submitter. Criteria: ACMG Guidelines, 2015. Collection method: clinical testing. Allele origin: germline.

Labcorp Genetics (formerly Invitae), Labcorp
Classification: Uncertain significance for Rienhoff syndrome. Last evaluated: 2022-05-03. Review status: criteria provided, single submitter. Criteria: Invitae Variant Classification Sherloc (09022015). Collection method: clinical testing. Allele origin: germline.
Comment: This missense change has been observed in individual(s) with clinical features of Loeys-Dietz syndrome (Invitae). In summary, the available evidence is currently insufficient to determine the role of this variant in disease. Therefore, it has been classified as a Variant of Uncertain Significance. Algorithms developed to predict the effect of missense changes on protein structure and function are either unavailable or do not agree on the potential impact of this missense change (SIFT: "Deleterious"; PolyPhen-2: "Probably Damaging"; Align-GVGD: "Class C0"). ClinVar contains an entry for this variant (Variation ID: 373199). This variant is not present in population databases (gnomAD no frequency). This sequence change replaces arginine, which is basic and polar, with cysteine, which is neutral and slightly polar, at codon 261 of the TGFB3 protein (p.Arg261Cys).

GeneDx
Classification: Uncertain significance. Last evaluated: 2016-11-22. Review status: criteria provided, single submitter. Criteria: GeneDx Variant Classification (06012015). Collection method: clinical testing. Allele origin: germline. Affected: yes.
Comment: A variant of uncertain significance has been identified in the TGFB3 gene. The R261C variant has not been published as a pathogenic variant, nor has it been reported as a benign variant to our knowledge. This variant was not observed in approximately 6,500 individuals of European and African American ancestry in the NHLBI Exome Sequencing Project, indicating it is not a common benign variant in these populations. The R261C variant is a non-conservative amino acid substitution, which is likely to impact secondary protein structure as these residues differ in polarity, charge, size and/or other properties. This substitution occurs in the highly-conserved RGD motif in the latency-associated peptide of TGFB3. This motif is recognized by several alpha(V) containing integrins, which, upon binding, can lead to downstream TGF beta activation. In silico analysis predicts this variant is probably damaging to the protein structure/function, and a different missense substitution in the RGD motif (Asp263His) has been reported in association with syndromic aortopathy (Bertoli-Avella et al., 2015). However, to our knowledge, no studies have been performed to determine the functional effect of the R261C variant.Therefore, based on the currently available information, it is unclear whether this variant is pathogenic or benign.

NM_003239.5(TGFB3):c.781C>T (p.Arg261Cys)

Gene: TGFB3 (transforming growth factor beta 3; minus strand). Cytogenetic location: 14q24.3.
Variant type: single nucleotide variant.
Coding change: c.781C>T on transcript NM_003239.5 (MANE Select); coding-DNA position 781, C replaced by T.
Protein change: p.Arg261Cys; replaces arginine 261 with cysteine.
Molecular consequence: missense variant.
Genome position (GRCh38, 1-based): chr14:75,963,461, G>A on the plus strand (C>T on the coding strand, the complement: TGFB3 is on the minus strand). VCF-style: chr14-75963461-G-A. GRCh37 (hg19) VCF-style: chr14-76429804-G-A.
Other names: c.781C>T, p.Arg261Cys (NM_001329938.2, NM_001329939.2); short protein forms R261C.
Identifiers: ClinVar variation 373199 (VCV000373199.10), dbSNP rs560321456, ClinGen allele CA16042965.